The following is an entry in ClinVar:

ClinVar aggregate classification (germline): Benign/Likely benign. Review status: criteria provided, multiple submitters, no conflicts (2 of 4 stars). 8 submissions from 8 submitters: Benign (5); Likely benign (1). 2 of the submissions do not count toward it. Last evaluated 2026-03-31.

Conditions:
Ehlers-Danlos syndrome (EDS). Identifiers: Orphanet 98249, MedGen C0013720, MONDO:0020066.
Ehlers-Danlos syndrome, kyphoscoliotic type 1 (EDSKSCL1). Also called: EHLERS-DANLOS SYNDROME, TYPE VIA; EHLERS-DANLOS SYNDROME, OCULAR-SCOLIOTIC TYPE; Ehlers-Danlos syndrome, hydroxylysine-deficient; PLOD1-Related Kyphoscoliotic Ehlers-Danlos Syndrome. Identifiers: Orphanet 1900, MedGen C0268342, MONDO:0016002, OMIM 225400. Disease mechanism: loss of function.
Familial thoracic aortic aneurysm and aortic dissection (TAAD). Also called: Thoracic aortic aneurysms and dissections. Identifiers: Orphanet 91387, MedGen C4707243, MONDO:0019625.

Allele frequency attached by ClinVar (database versions not stated): ExAC 0.00333; 1000 Genomes Project 30x 0.00578; 1000 Genomes Project 0.00599; gnomAD 0.00003 and 0.00092; TOPMed 0.00013; gnomAD exomes 0.00142 and 0.00286.
gnomAD v4.1: 2,225 of 1,614,096 alleles (0.14%); highest among the groups gnomAD compares: South Asian, 2.2%; 30 homozygotes.

Submissions (8):

Women's Health and Genetics/Laboratory Corporation of America, LabCorp
Classification: Likely benign. Last evaluated: 2026-03-31. Review status: criteria provided, single submitter. Criteria: LabCorp Variant Classification Summary - May 2015. Collection method: clinical testing. Allele origin: germline.

Labcorp Genetics (formerly Invitae), Labcorp
Classification: Benign for Ehlers-Danlos syndrome, kyphoscoliotic type 1. Last evaluated: 2026-02-02. Review status: criteria provided, single submitter. Criteria: Invitae Variant Classification Sherloc (09022015). Collection method: clinical testing. Allele origin: germline.

GeneDx
Classification: Benign. Last evaluated: 2020-08-06. Review status: criteria provided, single submitter. Criteria: GeneDx Variant Classification Process June 2021. Collection method: clinical testing. Allele origin: germline. Affected: yes.

Genome Diagnostics Laboratory, The Hospital for Sick Children
Classification: Benign for Ehlers-Danlos syndrome. Last evaluated: 2019-06-01. Review status: criteria provided, single submitter. Criteria: ACMG Guidelines, 2015. Collection method: clinical testing. Allele origin: germline.

Illumina Laboratory Services, Illumina
Classification: Benign for Ehlers-Danlos syndrome, kyphoscoliotic type 1. Last evaluated: 2018-01-12. Review status: criteria provided, single submitter. Criteria: ICSL Variant Classification Criteria 13 December 2019. Collection method: clinical testing. Allele origin: germline.
Comment: This variant was observed in the ICSL laboratory as part of a predisposition screen in an ostensibly healthy population. It had not been previously curated by ICSL or reported in the Human Gene Mutation Database (HGMD: prior to June 1st, 2018), and was therefore a candidate for classification through an automated scoring system. Utilizing variant allele frequency, disease prevalence and penetrance estimates, and inheritance mode, an automated score was calculated to assess if this variant is too frequent to cause the disease. Based on the score and internal cut-off values, a variant classified as benign is not then subjected to further curation. The score for this variant resulted in a classification of benign for this disease.

Ambry Genetics
Classification: Benign for Familial thoracic aortic aneurysm and aortic dissection. Last evaluated: 2016-05-25. Review status: criteria provided, single submitter. Criteria: Ambry Variant Classification Scheme 2023. Collection method: clinical testing. Allele origin: germline.

Genome Diagnostics Laboratory, Amsterdam University Medical Center
Classification: Likely benign. Review status: no assertion criteria provided. Collection method: clinical testing. Allele origin: germline. Affected: yes. Study: VKGL Data-share Consensus. Not counted in ClinVar's aggregate classification.

Laboratory of Diagnostic Genome Analysis, Leiden University Medical Center (LUMC)
Classification: Likely benign. Review status: no assertion criteria provided. Collection method: clinical testing. Allele origin: germline. Affected: yes. Study: VKGL Data-share Consensus. Not counted in ClinVar's aggregate classification.

NM_000302.4(PLOD1):c.509A>T (p.Glu170Val)

Gene: PLOD1 (procollagen-lysine,2-oxoglutarate 5-dioxygenase 1; plus strand). Cytogenetic location: 1p36.22.
Variant type: single nucleotide variant.
Coding change: c.509A>T on transcript NM_000302.4 (MANE Select); coding-DNA position 509, A replaced by T.
Protein change: p.Glu170Val; replaces glutamic acid 170 with valine.
Molecular consequence: missense variant.
Genome position (GRCh38, 1-based): chr1:11,952,665, A>T. VCF-style: chr1-11952665-A-T. GRCh37 (hg19) VCF-style: chr1-12012722-A-T.
Other names: c.650A>T, p.Glu217Val (NM_001316320.2); short protein forms E170V, E217V.
Identifiers: ClinVar variation 514191 (VCV000514191.28), dbSNP rs554232128, ClinGen allele CA597927.
Genomic context (GRCh38, chr1:11,952,665, plus strand): 5'-CCACCCACCAACCTTCAGGCTTCATCGGTTATGCCCCCAACCTCAGCAAACTGGTGGCCG[A>T]GTGGGAGGGCCAGGACAGCGACAGCGATCAGCTGTTTTACACCAAGATCTTCTTGGACCC-3'
Protein context (NP_000293.2, residues 160-180): YAPNLSKLVA[Glu170Val]WEGQDSDSDQ